The following is an entry in ClinVar:

ClinVar aggregate classification (germline): Uncertain significance (1 of 4 stars; one submission).

Allele frequency attached by ClinVar (database versions not stated): gnomAD exomes below 0.00001; TOPMed 0.00001.
gnomAD v4.1: 7 of 1,614,092 alleles (0.00043%); highest among the groups gnomAD compares: Non-Finnish European, 0.00059%; no homozygotes.

Submission:

Ambry Genetics
Classification: Uncertain significance. Last evaluated: 2023-11-15. Review status: criteria provided, single submitter. Criteria: Ambry Variant Classification Scheme 2023. Collection method: clinical testing. Allele origin: germline.
Comment: The p.D873N variant (also known as c.2617G>A), located in coding exon 24 of the KIF1B gene, results from a G to A substitution at nucleotide position 2617. The aspartic acid at codon 873 is replaced by asparagine, an amino acid with highly similar properties. This amino acid position is conserved. In addition, this alteration is predicted to be tolerated by in silico analysis. Since supporting evidence is limited at this time, the clinical significance of this alteration remains unclear.

NM_001365951.3(KIF1B):c.2755G>A (p.Asp919Asn)

Genes: KIF1B (kinesin family member 1B; plus strand), LOC126805614 (BRD4-independent group 4 enhancer GRCh37_chr1:10385546-10386745; plus strand). Cytogenetic location: 1p36.22.
Variant type: single nucleotide variant.
Coding change: c.2755G>A on transcript NM_001365951.3 (MANE Select); coding-DNA position 2755, G replaced by A.
Protein change: p.Asp919Asn; replaces aspartic acid 919 with asparagine.
Molecular consequence: missense variant.
Genome position (GRCh38, 1-based): chr1:10,326,190, G>A. VCF-style: chr1-10326190-G-A. GRCh37 (hg19) VCF-style: chr1-10386248-G-A.
Other names: c.2755G>A, p.Asp919Asn (NM_001365952.1); c.2617G>A, p.Asp873Asn (NM_015074.3); short protein forms D873N, D919N.
Identifiers: ClinVar variation 3226409 (VCV003226409.1), dbSNP rs1248187505, ClinGen allele CA338337018.
Genomic context (GRCh38, chr1:10,326,190, plus strand): 5'-TGTGTGAACGAGCGCCTTGCCGACCGCACACCCTCCCCCACTTTTTCCACGGCCGATTCC[G>A]ACATCACTGAGCTGGCTGACGAGCAGCAAGATGAGATGGAGGATTTTGATGATGAGGCAT-3'
Protein context (NP_001352880.1, residues 909-929): PSPTFSTADS[Asp919Asn]ITELADEQQD